The following is an entry in ClinVar:

ClinVar aggregate classification (germline): not provided (0 of 4 stars; one submission).

Conditions:
Generalized epilepsy. Identifiers: MedGen C0014548, MONDO:0100574.

Submission:

UniProtKB/Swiss-Prot
No classification provided. Review status: no classification provided. Collection method: not provided. Allele origin: unknown.

NM_001165963.4(SCN1A):c.1183G>C (p.Ala395Pro)

Gene: SCN1A (sodium voltage-gated channel alpha subunit 1; minus strand). Cytogenetic location: 2q24.3.
Variant type: single nucleotide variant.
Coding change: c.1183G>C on transcript NM_001165963.4 (MANE Select); coding-DNA position 1183, G replaced by C.
Protein change: p.Ala395Pro; replaces alanine 395 with proline.
Molecular consequence: missense variant. On other transcripts: 5 prime UTR variant (1), non-coding transcript variant (1).
Genome position (GRCh38, 1-based): chr2:166,046,964, C>G on the plus strand (G>C on the coding strand, the complement: SCN1A is on the minus strand). VCF-style: chr2-166046964-C-G. GRCh37 (hg19) VCF-style: chr2-166903474-C-G.
Other names: c.1183G>C, p.Ala395Pro (NM_001165964.3, NM_001202435.3, NM_001353948.2 and 10 more transcripts); c.-1243G>C (NM_001353961.2); short protein forms A395P.
Identifiers: ClinVar variation 68507 (VCV000068507.1), dbSNP rs121917988, ClinGen allele CA145229.
Genomic context (GRCh38, chr2:166,046,964, plus strand): 5'-TTAGGTAGAATGAGCCCAAGAAAATGACCAATACAAAAAATATCATGTACGTTTTCCCAG[C>G]AGCACGTAATGTCTGCAAACAAAAATATCAGAATTATTTCTCAATATTATTTCACTAAGT-3'
Protein context (NP_001159435.1, residues 385-405): ENLYQLTLRA[Ala395Pro]GKTYMIFFVL